The following is an entry in ClinVar:

ClinVar aggregate classification (germline): Pathogenic. Review status: reviewed by expert panel (3 of 4 stars). 5 submissions from 5 submitters: Pathogenic (1). 4 of the submissions do not count toward it. Last evaluated 2026-11-19.

Conditions:
BRCA2-related cancer predisposition. Identifiers: MedGen CN377758, MONDO:0700269.
Hereditary cancer-predisposing syndrome. Also called: Hereditary Cancer Syndrome; Tumor predisposition; Neoplastic Syndromes, Hereditary; Hereditary neoplastic syndrome. Identifiers: Orphanet 140162, MedGen C0027672, MeSH D009386, MONDO:0015356.
Hereditary breast ovarian cancer syndrome. Also called: Hereditary breast and ovarian cancer syndrome; Hereditary breast and ovarian cancer; Hereditary breast and ovarian cancer syndrome (HBOC); Breast and ovarian cancer; Hereditary breast and/or ovarian cancer syndrome; BRCA1- and BRCA2-Associated Hereditary Breast and Ovarian Cancer. Identifiers: Orphanet 145, MedGen C0677776, MeSH D061325, MONDO:0003582. Disease mechanism: loss of function.

Allele frequency attached by ClinVar (database versions not stated): TOPMed below 0.00001.

Submissions (5):

ClinGen ENIGMA BRCA1 and BRCA2 Variant Curation Expert Panel, ClinGen
Classification: Pathogenic for BRCA2-related cancer predisposition. Last evaluated: 2026-11-19. Review status: reviewed by expert panel. Criteria: CSpec BRCA1/2ACMG Rules Specifications V1.2. Collection method: curation. Allele origin: germline. Inheritance: Autosomal dominant inheritance.
Comment: The c.9057A>G variant in BRCA2 is a synonymous variant (p.(Lys3019=)). This variant is absent from gnomAD v4.1 (read depth ≥25x in >90% samples, PM2_Supporting met). This BRCA2 synonymous (silent) variant has a SpliceAI score of 0.9, predicting an impact on splicing (score threshold ≥0.2) (PP3 not applied because a PVS1 code is met). This variant is reported to result in aberrant mRNA splicing. RT-PCRseq demonstrated that the variant impacts splicing by skipping part of exon 23 (r.9053_9117del, p.Lys3019PhefsTer3), which is out-of-frame. The percent of aberrant transcripts produced was 40-50%, using an allele specific semi-quantitative assessment with sequence analysis. No full-length transcript was detected from the variant allele (Ambry internal data). Appropriate code strength determined by comparison of results to PVS1 decision tree, PVS1 (RNA). Silent variant, functional data considered only from assays that measure effect via mRNA and protein. Reported by one calibrated study incorporating mRNA splicing effects to exhibit function similar to pathogenic control variants (PMID:39779857) (PS3 met). In summary, this variant meets the criteria to be classified as a Pathogenic variant for BRCA2-related cancer predisposition based on the ACMG/AMP criteria applied as specified by the ENIGMA BRCA1/2 VCEP (v1.2) (PM2_Supporting, PS3, PVS1 (RNA)).

Women's Health and Genetics/Laboratory Corporation of America, LabCorp
Classification: Likely pathogenic for Hereditary breast ovarian cancer syndrome. Last evaluated: 2026-01-13. Review status: criteria provided, single submitter. Criteria: LabCorp Variant Classification Summary - May 2015. Collection method: clinical testing. Allele origin: germline. Not counted in ClinVar's aggregate classification.
Comment: Variant summary: BRCA2 c.9057A>G results in a synonymous change. Several computational tools predict a significant impact on normal splicing: Four predict the variant strengthens a cryptic 5' donor site. One predicts the variant has no significant impact on splicing. Experimental evidence indicates that this variant affects mRNA splicing (external communication). The variant was absent in 250312 control chromosomes. c.9057A>G has been observed in individuals affected with a personal and/or family history of prostate, breast and/or pancreatic cancer and in one unaffected individual (Couch_1996, internal data, external communication). The following publications have been ascertained in the context of this evaluation (PMID: 8673091, 12427538, 35087763). ClinVar contains an entry for this variant (Variation ID: 182258). Based on the evidence outlined above, the variant was classified as likely pathogenic.

Labcorp Genetics (formerly Invitae), Labcorp
Classification: Likely pathogenic for Hereditary breast ovarian cancer syndrome. Last evaluated: 2025-08-03. Review status: criteria provided, single submitter. Criteria: Invitae Variant Classification Sherloc (09022015). Collection method: clinical testing. Allele origin: germline. Not counted in ClinVar's aggregate classification.
Comment: This sequence change affects codon 3019 of the BRCA2 mRNA. It is a 'silent' change, meaning that it does not change the encoded amino acid sequence of the BRCA2 protein. RNA analysis indicates that this variant induces altered splicing and may result in an absent or altered protein product. This variant is not present in population databases (gnomAD no frequency). This variant has been observed in individual(s) with a personal and/or family history of prostate, breast and pancreatic cancer (external communication, internal data). ClinVar contains an entry for this variant (Variation ID: 182258). Studies have shown that this variant results in activation of cryptic splice site, and produces a non-functional protein and/or introduces a premature termination codon (external communication). In summary, the currently available evidence indicates that the variant is pathogenic, but additional data are needed to prove that conclusively. Therefore, this variant has been classified as Likely Pathogenic.

Ambry Genetics
Classification: Pathogenic for Hereditary cancer-predisposing syndrome. Last evaluated: 2025-06-13. Review status: criteria provided, single submitter. Criteria: Ambry Variant Classification Scheme 2023. Collection method: clinical testing. Allele origin: germline. Not counted in ClinVar's aggregate classification.
Comment: The c.9057A>G pathogenic mutation (also known as p.K3019K), located in coding exon 22, results from an A to G substitution at nucleotide position 9057 of the BRCA2 gene. This nucleotide substitution does not change the amino acid at codon 3019. This nucleotide position is highly conserved through opossum. In silico splice site analysis predicts that this alteration will result in the creation or strengthening of a novel splice donor site. RNA studies have demonstrated that this alteration results in abnormal splicing in the set of samples tested (Ambry internal data). Based on the majority of available evidence to date, this variant is considered a disease-causing mutation.

GeneDx
Classification: Uncertain significance. Last evaluated: 2014-09-17. Review status: criteria provided, single submitter. Criteria: GeneDx Variant Classification (06012015). Collection method: clinical testing. Allele origin: germline. Affected: yes. Not counted in ClinVar's aggregate classification.
Comment: This variant is denoted BRCA2 c.9057A>G at the DNA level. Although the variant is silent at the coding level, preserving a Lysine at codon 3019, it has been predicted by multiple splicing models to create a cryptic donor splice site leading to abnormal splicing. This variant has not, to our knowledge, been published in the literature as pathogenic or benign. BRCA2 9057A>G was not observed in approximately 6,500 individuals of European and African American ancestry in the NHLBI Exome Sequencing Project, indicating it is not a common benign variant in these populations. The nucleotide which is altered, a adenine (A) at base 9057, is highly conserved in mammals. Based on currently available information, it is unclear whether BRCA2 9057A>G is pathogenic or benign. We consider it to be a variant of uncertain significance.

Literature cited by the submitters: PubMed 12427538 (cited by Women's Health and Genetics/Laboratory Corporation of America, LabCorp); PubMed 8673091 (cited by Women's Health and Genetics/Laboratory Corporation of America, LabCorp); PubMed 35087763 (cited by Women's Health and Genetics/Laboratory Corporation of America, LabCorp).

NM_000059.4(BRCA2):c.9057A>G (p.Lys3019=)

Gene: BRCA2 (BRCA2 DNA repair associated; plus strand). Cytogenetic location: 13q13.1.
Variant type: single nucleotide variant.
Coding change: c.9057A>G on transcript NM_000059.4 (MANE Select); coding-DNA position 9057, A replaced by G.
Protein change: p.Lys3019=; no amino-acid change (lysine 3019 retained).
Molecular consequence: synonymous variant.
Genome position (GRCh38, 1-based): chr13:32,379,853, A>G. VCF-style: chr13-32379853-A-G. GRCh37 (hg19) VCF-style: chr13-32953990-A-G.
Other names: p.K3019K:AAA>AAG; NM_000059.4(BRCA2):c.9057A>G; p.Lys3019=.
Identifiers: ClinVar variation 182258 (VCV000182258.17), dbSNP rs1799956, ClinGen allele CA025946.